The following is an entry in ClinVar:

NM_001077350.3(NPRL3):c.181G>A (p.Asp61Asn)

Genes: HBA-LCR (alpha-globin locus control region; plus strand), NPRL3 (NPR3 like, GATOR1 complex subunit; minus strand). Cytogenetic location: 16p13.3.
Variant type: single nucleotide variant.
Coding change: c.181G>A on transcript NM_001077350.3 (MANE Select); coding-DNA position 181, G replaced by A.
Protein change: p.Asp61Asn; replaces aspartic acid 61 with asparagine.
Molecular consequence: missense variant. On other transcripts: 5 prime UTR variant (2).
Genome position (GRCh38, 1-based): chr16:130,529, C>T on the plus strand (G>A on the coding strand, the complement: NPRL3 is on the minus strand). VCF-style: chr16-130529-C-T. GRCh37 (hg19) VCF-style: chr16-180528-C-T.
Other names: c.-152G>A (NM_001039476.3); c.-191G>A (NM_001243247.2); c.181G>A, p.Asp61Asn (NM_001243248.2, NM_001243249.2); short protein forms D61N.
Identifiers: ClinVar variation 969542 (VCV000969542.12), dbSNP rs748391280, ClinGen allele CA7769760.

ClinVar aggregate classification (germline): Conflicting classifications of pathogenicity. Review status: criteria provided, conflicting classifications (1 of 4 stars). 3 submissions from 3 submitters: Uncertain significance (2); Likely benign (1). Last evaluated 2026-08-01.

Conditions:
Epilepsy, familial focal, with variable foci 3 (FFEVF3). Identifiers: MedGen C4310708, MONDO:0014925, OMIM 617118.

Allele frequency attached by ClinVar (database versions not stated): gnomAD exomes 0.00003 and 0.00005; ExAC 0.00010; TOPMed 0.00002; gnomAD 0.00003.
gnomAD v4.1: 75 of 1,551,926 alleles (0.0048%); highest among the groups gnomAD compares: South Asian, 0.018%; no homozygotes.

Submissions (3):

CeGaT Center for Human Genetics Tuebingen
Classification: Likely benign. Last evaluated: 2026-08-01. Review status: criteria provided, single submitter. Criteria: CeGaT Center For Human Genetics Tuebingen Variant Classification Criteria Version 2. Collection method: clinical testing. Allele origin: germline. Affected: yes. Observed: 1 variant allele.
Comment: NPRL3: BP4

Revvity Omics, Revvity
Classification: Uncertain significance for Epilepsy, familial focal, with variable foci 3. Last evaluated: 2024-12-13. Review status: criteria provided, single submitter. Criteria: ACMG Guidelines, 2015. Collection method: clinical testing. Allele origin: germline.

Labcorp Genetics (formerly Invitae), Labcorp
Classification: Uncertain significance for Epilepsy, familial focal, with variable foci 3. Last evaluated: 2024-10-22. Review status: criteria provided, single submitter. Criteria: Invitae Variant Classification Sherloc (09022015). Collection method: clinical testing. Allele origin: germline.
Comment: This sequence change replaces aspartic acid, which is acidic and polar, with asparagine, which is neutral and polar, at codon 61 of the NPRL3 protein (p.Asp61Asn). The frequency data for this variant in the population databases is considered unreliable, as metrics indicate poor data quality at this position in the gnomAD database. This variant has not been reported in the literature in individuals affected with NPRL3-related conditions. ClinVar contains an entry for this variant (Variation ID: 969542). Invitae Evidence Modeling of protein sequence and biophysical properties (such as structural, functional, and spatial information, amino acid conservation, physicochemical variation, residue mobility, and thermodynamic stability) indicates that this missense variant is not expected to disrupt NPRL3 protein function with a negative predictive value of 80%. In summary, the available evidence is currently insufficient to determine the role of this variant in disease. Therefore, it has been classified as a Variant of Uncertain Significance.